The following is an entry in ClinVar:

ClinVar aggregate classification (germline): Uncertain significance (1 of 4 stars; one submission).

Conditions:
Familial intrahepatic cholestasis. Identifiers: Orphanet 284385, MedGen CN296401, MONDO:0017290.

Submission:

Genomenon, Inc
Classification: Uncertain significance for Familial intrahepatic cholestasis. Last evaluated: 2026-04-14. Review status: criteria provided, single submitter. Criteria: Genomenon Sequence Variant Interpretation Standards - Updated. Collection method: curation. Allele origin: germline. Affected: yes.
Comment: ABCB11 p.Cys336Ser (c.1007G>C) is a missense variant that changes the amino acid at residue 336 from Cysteine to Serine. This variant has been observed in at least one proband with an ABCB11-related disorder (PMID:10579978). Functional studies have been reported (PMID:12370274). At least one splicing study demonstrated no effect on splicing (PMID:19101985). It is absent or not present at a significant frequency in gnomAD. In conclusion, we classify ABCB11 p.Cys336Ser (c.1007G>C) as a variant of uncertain significance.

Literature cited by the submitters: PubMed 10579978; PubMed 12370274; PubMed 19101985.

NM_003742.4(ABCB11):c.1007G>C (p.Cys336Ser)

Gene: ABCB11 (ATP binding cassette subfamily B member 11; minus strand). Cytogenetic location: 2q31.1.
Variant type: single nucleotide variant.
Coding change: c.1007G>C on transcript NM_003742.4 (MANE Select); coding-DNA position 1007, G replaced by C.
Protein change: p.Cys336Ser; replaces cysteine 336 with serine.
Molecular consequence: missense variant.
Genome position (GRCh38, 1-based): chr2:168,986,186, C>G on the plus strand (G>C on the coding strand, the complement: ABCB11 is on the minus strand). VCF-style: chr2-168986186-C-G. GRCh37 (hg19) VCF-style: chr2-169842696-C-G.
Other names: short protein forms C336S.
Identifiers: ClinVar variation 4845959 (VCV004845959.1).